The following is an entry in ClinVar:

NM_183357.3(ADCY5):c.463T>G (p.Ser155Ala)

Gene: ADCY5 (adenylate cyclase 5; minus strand). Cytogenetic location: 3q21.1.
Variant type: single nucleotide variant.
Coding change: c.463T>G on transcript NM_183357.3 (MANE Select); coding-DNA position 463, T replaced by G.
Protein change: p.Ser155Ala; replaces serine 155 with alanine.
Molecular consequence: missense variant.
Genome position (GRCh38, 1-based): chr3:123,448,083, A>C on the plus strand (T>G on the coding strand, the complement: ADCY5 is on the minus strand). VCF-style: chr3-123448083-A-C. GRCh37 (hg19) VCF-style: chr3-123166930-A-C.
Other names: c.463T>G, p.Ser155Ala (NM_001378259.1); c.463T>G (NM_183357.2); short protein forms S155A.
Identifiers: ClinVar variation 1422107 (VCV001422107.9), dbSNP rs1167734608, ClinGen allele CA354357802.
Genomic context (GRCh38, chr3:123,448,083, plus strand): 5'-CCTCCAGCTCGTCGGCCGCGCGCCCCTTGCCCCGCCGCTCCTCCAGACCCACCTCCACCG[A>C]GCGAGGGCGCACCTCCGTCCCGCCCGCCGAGGCAGCCGCCGCCGCCGAGCCGCCGCCGCC-3'
Protein context (NP_899200.1, residues 145-165): SAGGTEVRPR[Ser155Ala]VEVGLEERRG

ClinVar aggregate classification (germline): Uncertain significance. Review status: criteria provided, multiple submitters, no conflicts (2 of 4 stars). 2 submissions from 2 submitters: Uncertain significance (2). Last evaluated 2024-10-19.

Conditions:
Inborn genetic diseases. Identifiers: MedGen C0950123, MeSH D030342.

Allele frequency attached by ClinVar (database versions not stated): gnomAD exomes below 0.00001; gnomAD 0.00001.
gnomAD v4.1: 6 of 1,217,796 alleles (0.00049%); highest among the groups gnomAD compares: Middle Eastern, 0.032%; no homozygotes.

Submissions (2):

Labcorp Genetics (formerly Invitae), Labcorp
Classification: Uncertain significance. Last evaluated: 2024-10-19. Review status: criteria provided, single submitter. Criteria: Invitae Variant Classification Sherloc (09022015). Collection method: clinical testing. Allele origin: germline.
Comment: This sequence change replaces serine, which is neutral and polar, with alanine, which is neutral and non-polar, at codon 155 of the ADCY5 protein (p.Ser155Ala). This variant is not present in population databases (gnomAD no frequency). This variant has not been reported in the literature in individuals affected with ADCY5-related conditions. ClinVar contains an entry for this variant (Variation ID: 1422107). Invitae Evidence Modeling of protein sequence and biophysical properties (such as structural, functional, and spatial information, amino acid conservation, physicochemical variation, residue mobility, and thermodynamic stability) indicates that this missense variant is not expected to disrupt ADCY5 protein function with a negative predictive value of 95%. In summary, the available evidence is currently insufficient to determine the role of this variant in disease. Therefore, it has been classified as a Variant of Uncertain Significance.

Ambry Genetics
Classification: Uncertain significance for Inborn genetic diseases. Last evaluated: 2022-11-30. Review status: criteria provided, single submitter. Criteria: Ambry Variant Classification Scheme 2023. Collection method: clinical testing. Allele origin: germline.